The following is an entry in ClinVar:

NM_001384474.1(LOXHD1):c.6055G>A (p.Glu2019Lys)

Gene: LOXHD1 (lipoxygenase homology PLAT domains 1; minus strand). Cytogenetic location: 18q21.1.
Variant type: single nucleotide variant.
Coding change: c.6055G>A on transcript NM_001384474.1 (MANE Select); coding-DNA position 6055, G replaced by A.
Protein change: p.Glu2019Lys; replaces glutamic acid 2019 with lysine.
Molecular consequence: missense variant.
Genome position (GRCh38, 1-based): chr18:46,485,146, C>T on the plus strand (G>A on the coding strand, the complement: LOXHD1 is on the minus strand). VCF-style: chr18-46485146-C-T. GRCh37 (hg19) VCF-style: chr18-44065109-C-T.
Other names: c.2722G>A, p.Glu908Lys (NM_001145472.3); c.772G>A, p.Glu258Lys (NM_001145473.3, NM_001173129.2); c.2434G>A, p.Glu812Lys (NM_001308013.2); c.5869G>A, p.Glu1957Lys (NM_144612.7); short protein forms E1957K, E258K, E812K, E908K, E2019K.
Identifiers: ClinVar variation 179310 (VCV000179310.49), dbSNP rs373848470, ClinGen allele CA184174.

ClinVar aggregate classification (germline): Uncertain significance. Review status: criteria provided, multiple submitters, no conflicts (2 of 4 stars). 13 submissions from 13 submitters: Uncertain significance (12). 1 of the submissions does not count toward it. Last evaluated 2026-05-04.

Conditions:
LOXHD1-related disorder. Also called: LOXHD1-related condition.
Monogenic hearing loss.
Autosomal recessive nonsyndromic hearing loss 77. Identifiers: Orphanet 90636, MedGen C2746083, MONDO:0013119, OMIM 613079.

Allele frequency attached by ClinVar (database versions not stated): ExAC 0.00009; gnomAD exomes 0.00013; ESP Exome Variant Server 0.00022; gnomAD 0.00022 and 0.00023; TOPMed 0.00022.
gnomAD v4.1: 454 of 1,549,270 alleles (0.029%); highest among the groups gnomAD compares: Non-Finnish European, 0.037%; no homozygotes.

Submissions (13):

PreventionGenetics, part of Exact Sciences
Classification: Uncertain significance for LOXHD1-related condition. Last evaluated: 2026-05-04. Review status: criteria provided, single submitter. Criteria: ACMG Guidelines, 2015. Collection method: clinical testing. Allele origin: germline.
Comment: The LOXHD1 c.5869G>A variant is predicted to result in the amino acid substitution p.Glu1957Lys. This variant (also known as c.2722G>A, p.Glu908Lys in NM_001145472) has been reported in an individual with hearing loss, although one other missense variant and a truncating variant in LOXHD1 were also detected in this individual (Patient 161, Table S3, Sloan-Heggen et al. 2016. PubMed ID: 26969326). This variant is reported in 0.030% of alleles in individuals of European (Non-Finnish) descent in gnomAD. At this time, the clinical significance of this variant is uncertain due to the absence of conclusive functional and genetic evidence.

Genetics Laboratory, Great Ormond Street Hospital NHS Foundation Trust, North Thames Genomic Laboratory Hub
Classification: Uncertain significance for Monogenic hearing loss. Last evaluated: 2026-02-09. Review status: criteria provided, single submitter. Criteria: ACGS Best Practice Guidelines for Variant Classification in Rare Disease 2024 v1.2. Collection method: clinical testing. Allele origin: germline. Affected: yes.
Comment: PM2_supporting, PM3_strong

CeGaT Center for Human Genetics Tuebingen
Classification: Uncertain significance. Last evaluated: 2025-12-01. Review status: criteria provided, single submitter. Criteria: CeGaT Center For Human Genetics Tuebingen Variant Classification Criteria Version 2. Collection method: clinical testing. Allele origin: germline. Affected: yes. Observed: 3 variant alleles.
Comment: LOXHD1: PM2

Mayo Clinic Laboratories, Mayo Clinic
Classification: Uncertain significance. Last evaluated: 2025-09-11. Review status: criteria provided, single submitter. Criteria: ACMG Guidelines, 2015. Collection method: clinical testing. Allele origin: germline. Observed: 2 variant alleles.
Comment: PM2_supporting

GeneDx
Classification: Uncertain significance. Last evaluated: 2024-04-09. Review status: criteria provided, single submitter. Criteria: GeneDx Variant Classification Process June 2021. Collection method: clinical testing. Allele origin: germline. Affected: yes.
Comment: Reported previously in an individual with autosomal recessive hearing loss, who was heterozygous for E1957K and two other variants (L577R and R1982X); however, familial segregation information was not included to determine phase of these variants (PMID: 26969326); In silico analysis supports that this missense variant has a deleterious effect on protein structure/function; This variant is associated with the following publications: (PMID: 31547530, 31709873, 26969326)

Blueprint Genetics
Classification: Uncertain significance. Last evaluated: 2023-09-20. Review status: criteria provided, single submitter. Criteria: ACMG Guidelines, 2015. Collection method: clinical testing. Allele origin: germline.

Fulgent Genetics
Classification: Uncertain significance for Autosomal recessive nonsyndromic hearing loss 77. Last evaluated: 2022-01-04. Review status: criteria provided, single submitter. Criteria: ACMG Guidelines, 2015. Collection method: clinical testing. Allele origin: unknown.

Labcorp Genetics (formerly Invitae), Labcorp
Classification: Uncertain significance. Last evaluated: 2021-12-27. Review status: criteria provided, single submitter. Criteria: Invitae Variant Classification Sherloc (09022015). Collection method: clinical testing. Allele origin: germline.
Comment: This sequence change replaces glutamic acid, which is acidic and polar, with lysine, which is basic and polar, at codon 1957 of the LOXHD1 protein (p.Glu1957Lys). This variant is present in population databases (rs373848470, gnomAD 0.03%). This variant has not been reported in the literature in individuals affected with LOXHD1-related conditions. ClinVar contains an entry for this variant (Variation ID: 179310). Algorithms developed to predict the effect of missense changes on protein structure and function are either unavailable or do not agree on the potential impact of this missense change (SIFT: "Deleterious"; PolyPhen-2: "Possibly Damaging"; Align-GVGD: "Class C0"). In summary, the available evidence is currently insufficient to determine the role of this variant in disease. Therefore, it has been classified as a Variant of Uncertain Significance.

Laboratory for Molecular Medicine, Mass General Brigham Personalized Medicine
Classification: Uncertain significance. Last evaluated: 2019-07-24. Review status: criteria provided, single submitter. Criteria: LMM Criteria. Collection method: clinical testing. Allele origin: germline. Observed: 2 variant alleles.
Comment: The p.Glu1957Lys variant in LOXHD1 has been previously reported in 2 individual with hearing loss, one of whom also harbored two additional LOXHD1 variants (p.Leu577Arg and p.Arg933X) and the other also carried the p.Leu577Arg, though cis/trans phasing was not determined for either individual (Sloan-Heggen 2016; LMM unpublished data). This variant has been identified in 0.03% (23/77048) of European chromosomes by gnomAD. Computational prediction tools and conservation analyses do not provide strong support for or against an impact to the protein. In summary, the clinical significance of this variant is uncertain. ACMG/AMP Criteria applied: PM2_Supporting, PM3_Supporting, PP3.

Baylor Genetics
Classification: Uncertain significance for Autosomal recessive nonsyndromic hearing loss 77. Last evaluated: 2018-01-18. Review status: criteria provided, single submitter. Criteria: ACMG Guidelines, 2015. Collection method: clinical testing. Allele origin: paternal. Affected: yes.
Comment: This variant was determined to be of uncertain significance according to ACMG Guidelines, 2015 [PMID:25741868].

Eurofins Ntd Llc (ga)
Classification: Uncertain significance. Last evaluated: 2017-05-01. Review status: criteria provided, single submitter. Criteria: EGL Classification Definitions 2015. Collection method: clinical testing. Allele origin: germline. Observed: 1 variant allele, 1 heterozygote.

Illumina Laboratory Services, Illumina
Classification: Uncertain significance for Autosomal recessive nonsyndromic hearing loss 77. Last evaluated: 2017-04-27. Review status: criteria provided, single submitter. Criteria: ICSL Variant Classification Criteria 13 December 2019. Collection method: clinical testing. Allele origin: germline.

Natera, Inc.
Classification: Uncertain significance for Autosomal recessive deafness type 77. Last evaluated: 2020-02-14. Review status: no assertion criteria provided. Collection method: clinical testing. Allele origin: germline. Not counted in ClinVar's aggregate classification.

Literature cited by the submitters: PubMed 26969326 (cited by Mayo Clinic Laboratories, Mayo Clinic and Laboratory for Molecular Medicine, Mass General Brigham Personalized Medicine); PubMed 31547530 (cited by Mayo Clinic Laboratories, Mayo Clinic); PubMed 31709873 (cited by Mayo Clinic Laboratories, Mayo Clinic).